The following is an entry in ClinVar:

ClinVar aggregate classification (germline): Uncertain significance (1 of 4 stars; one submission).

gnomAD v4.1: 2 of 1,606,230 alleles (0.00012%); highest among the groups gnomAD compares: Non-Finnish European, 0.00017%; no homozygotes.

Submission:

Labcorp Genetics (formerly Invitae), Labcorp
Classification: Uncertain significance. Last evaluated: 2025-05-12. Review status: criteria provided, single submitter. Criteria: Invitae Variant Classification Sherloc (09022015). Collection method: clinical testing. Allele origin: germline.
Comment: This sequence change replaces glutamine, which is neutral and polar, with arginine, which is basic and polar, at codon 464 of the COPB2 protein (p.Gln464Arg). The frequency data for this variant in the population databases is considered unreliable, as metrics indicate poor data quality at this position in the gnomAD database. This variant has not been reported in the literature in individuals affected with COPB2-related conditions. An algorithm developed to predict the effect of missense changes on protein structure and function (PolyPhen-2) suggests that this variant is likely to be tolerated. In summary, the available evidence is currently insufficient to determine the role of this variant in disease. Therefore, it has been classified as a Variant of Uncertain Significance.

NM_004766.3(COPB2):c.1391A>G (p.Gln464Arg)

Gene: COPB2 (coat protein complex I subunit beta 2; minus strand). Cytogenetic location: 3q23.
Variant type: single nucleotide variant.
Coding change: c.1391A>G on transcript NM_004766.3 (MANE Select); coding-DNA position 1391, A replaced by G.
Protein change: p.Gln464Arg; replaces glutamine 464 with arginine.
Molecular consequence: missense variant. On other transcripts: non-coding transcript variant (1).
Genome position (GRCh38, 1-based): chr3:139,369,271, T>C on the plus strand (A>G on the coding strand, the complement: COPB2 is on the minus strand). VCF-style: chr3-139369271-T-C. GRCh37 (hg19) VCF-style: chr3-139088113-T-C.
Other names: c.1304A>G, p.Gln435Arg (NM_001410834.1); short protein forms Q435R, Q464R.
Identifiers: ClinVar variation 4804021 (VCV004804021.1).